The following is an entry in ClinVar:

NM_020964.3(EPG5):c.3307G>T (p.Val1103Phe)

Gene: EPG5 (ectopic P-granules 5 autophagy tethering factor; minus strand). Cytogenetic location: 18q21.1.
Variant type: single nucleotide variant.
Coding change: c.3307G>T on transcript NM_020964.3 (MANE Select); coding-DNA position 3307, G replaced by T.
Protein change: p.Val1103Phe; replaces valine 1103 with phenylalanine.
Molecular consequence: missense variant.
Genome position (GRCh38, 1-based): chr18:45,916,515, C>A on the plus strand (G>T on the coding strand, the complement: EPG5 is on the minus strand). VCF-style: chr18-45916515-C-A. GRCh37 (hg19) VCF-style: chr18-43496480-C-A.
Other names: short protein forms V1103F.
Identifiers: ClinVar variation 1402857 (VCV001402857.7), dbSNP rs1037521116, ClinGen allele CA299764926.

ClinVar aggregate classification (germline): Uncertain significance (1 of 4 stars; one submission).

Conditions:
Vici syndrome (VICIS). Identifiers: Orphanet 1493, MedGen C1855772, MONDO:0009452, OMIM 242840.

Allele frequency attached by ClinVar (database versions not stated): TOPMed below 0.00001; gnomAD exomes 0.00001 and 0.00002.
gnomAD v4.1: 8 of 1,613,608 alleles (0.0005%); highest among the groups gnomAD compares: Admixed American, 0.012%; no homozygotes.

Submission:

Labcorp Genetics (formerly Invitae), Labcorp
Classification: Uncertain significance for Vici syndrome. Last evaluated: 2022-05-19. Review status: criteria provided, single submitter. Criteria: Invitae Variant Classification Sherloc (09022015). Collection method: clinical testing. Allele origin: germline.
Comment: This sequence change replaces valine, which is neutral and non-polar, with phenylalanine, which is neutral and non-polar, at codon 1103 of the EPG5 protein (p.Val1103Phe). This variant is present in population databases (no rsID available, gnomAD 0.01%). This variant has not been reported in the literature in individuals affected with EPG5-related conditions. Algorithms developed to predict the effect of missense changes on protein structure and function are either unavailable or do not agree on the potential impact of this missense change (SIFT: "Deleterious"; PolyPhen-2: "Probably Damaging"; Align-GVGD: "Class C0"). In summary, the available evidence is currently insufficient to determine the role of this variant in disease. Therefore, it has been classified as a Variant of Uncertain Significance.